The following is an entry in ClinVar:

ClinVar aggregate classification (germline): Uncertain significance (1 of 4 stars; one submission).

Conditions:
Hereditary cancer-predisposing syndrome. Also called: Neoplastic Syndromes, Hereditary; Tumor predisposition; Hereditary neoplastic syndrome; Hereditary Cancer Syndrome. Identifiers: Orphanet 140162, MedGen C0027672, MeSH D009386, MONDO:0015356.

Submission:

Ambry Genetics
Classification: Uncertain significance for Hereditary cancer-predisposing syndrome. Last evaluated: 2026-07-07. Review status: criteria provided, single submitter. Criteria: Ambry Variant Classification Scheme 2023. Collection method: clinical testing. Allele origin: germline.
Comment: The p.E268A variant (also known as c.803A>C), located in coding exon 7 of the TSC1 gene, results from an A to C substitution at nucleotide position 803. The glutamic acid at codon 268 is replaced by alanine, an amino acid with dissimilar properties. This amino acid position is conserved. In addition, this alteration is predicted to be deleterious by in silico analysis. Based on the available evidence, the clinical significance of this variant remains unclear.

NM_000368.5(TSC1):c.803A>C (p.Glu268Ala)

Gene: TSC1 (TSC complex subunit 1; minus strand). Cytogenetic location: 9q34.13.
Variant type: single nucleotide variant.
Coding change: c.803A>C on transcript NM_000368.5 (MANE Select); coding-DNA position 803, A replaced by C.
Protein change: p.Glu268Ala; replaces glutamic acid 268 with alanine.
Molecular consequence: missense variant. On other transcripts: 5 prime UTR variant (5), non-coding transcript variant (5).
Genome position (GRCh38, 1-based): chr9:132,912,392, T>G on the plus strand (A>C on the coding strand, the complement: TSC1 is on the minus strand). VCF-style: chr9-132912392-T-G. GRCh37 (hg19) VCF-style: chr9-135787779-T-G.
Other names: c.803A>C, p.Glu268Ala (NM_001406608.1, NM_001406609.1, NM_001406598.1 and 16 more transcripts); c.650A>C, p.Glu217Ala (NM_001406610.1, NM_001406611.1, NM_001406612.1 and 2 more transcripts); c.440A>C, p.Glu147Ala (NM_001406614.1, NM_001406615.1, NM_001406616.1 and 10 more transcripts); c.-149A>C (NM_001406626.1, NM_001406627.1, NM_001406628.1); c.-291A>C (NM_001406629.1, NM_001406630.1); short protein forms E147A, E217A, E268A.
Identifiers: ClinVar variation 5031227 (VCV005031227.1).